The following is an entry in ClinVar:

NM_006929.5(SKIC2):c.1628A>G (p.His543Arg)

Gene: SKIC2 (SKI2 subunit of superkiller complex; plus strand). Cytogenetic location: 6p21.33.
Variant type: single nucleotide variant.
Coding change: c.1628A>G on transcript NM_006929.5 (MANE Select); coding-DNA position 1628, A replaced by G.
Protein change: p.His543Arg; replaces histidine 543 with arginine.
Molecular consequence: missense variant.
Genome position (GRCh38, 1-based): chr6:31,963,714, A>G. VCF-style: chr6-31963714-A-G. GRCh37 (hg19) VCF-style: chr6-31931491-A-G.
Other names: short protein forms H543R.
Identifiers: ClinVar variation 1005427 (VCV001005427.8), dbSNP rs1772636037, ClinGen allele CA363459563.
Genomic context (GRCh38, chr6:31,963,714, plus strand): 5'-AGGCCAAGAAGGAGAGAATGAGCAAACACGCCCAGACCTTTGGGGCCAAGCAGCCCACAC[A>G]TCAGGGGGGCCCTGCACAGGTGAGAACTGGGAGGGTTTTGTACCTGCCAGCACCTGTTTT-3'
Protein context (NP_008860.4, residues 533-553): AQTFGAKQPT[His543Arg]QGGPAQDRGV

ClinVar aggregate classification (germline): Uncertain significance (1 of 4 stars; one submission).

Allele frequency attached by ClinVar (database versions not stated): TOPMed below 0.00001; gnomAD 0.00001.
gnomAD v4.1: 1 of 1,548,320 alleles (0.000065%); highest among the groups gnomAD compares: African/African-American, 0.0014%; no homozygotes.

Submission:

Labcorp Genetics (formerly Invitae), Labcorp
Classification: Uncertain significance. Last evaluated: 2022-08-10. Review status: criteria provided, single submitter. Criteria: Invitae Variant Classification Sherloc (09022015). Collection method: clinical testing. Allele origin: germline.
Comment: In summary, the available evidence is currently insufficient to determine the role of this variant in disease. Therefore, it has been classified as a Variant of Uncertain Significance. Algorithms developed to predict the effect of sequence changes on RNA splicing suggest that this variant may create or strengthen a splice site. Algorithms developed to predict the effect of missense changes on protein structure and function (SIFT, PolyPhen-2, Align-GVGD) all suggest that this variant is likely to be tolerated. ClinVar contains an entry for this variant (Variation ID: 1005427). This variant has not been reported in the literature in individuals affected with SKIV2L-related conditions. This variant is not present in population databases (gnomAD no frequency). This sequence change replaces histidine, which is basic and polar, with arginine, which is basic and polar, at codon 543 of the SKIV2L protein (p.His543Arg).